The following is an entry in ClinVar:

NM_201384.3(PLEC):c.8019G>A (p.Ala2673=)

Gene: PLEC (plectin; minus strand). Cytogenetic location: 8q24.3.
Variant type: single nucleotide variant.
Coding change: c.8019G>A on transcript NM_201384.3 (MANE Select); coding-DNA position 8019, G replaced by A.
Protein change: p.Ala2673=; no amino-acid change (alanine 2673 retained).
Molecular consequence: synonymous variant.
Genome position (GRCh38, 1-based): chr8:143,921,802, C>T on the plus strand (G>A on the coding strand, the complement: PLEC is on the minus strand). VCF-style: chr8-143921802-C-T. GRCh37 (hg19) VCF-style: chr8-144995970-C-T.
Other names: c.8100G>A, p.Ala2700= (NM_000445.5); c.7977G>A, p.Ala2659= (NM_201378.4); c.7953G>A, p.Ala2651= (NM_201379.3); c.8430G>A, p.Ala2810= (NM_201380.4); c.7923G>A, p.Ala2641= (NM_201381.3); c.8019G>A, p.Ala2673= (NM_201382.4); c.8031G>A, p.Ala2677= (NM_201383.3).
Identifiers: ClinVar variation 1605632 (VCV001605632.30), dbSNP rs374178650, ClinGen allele CA4925449.
Genomic context (GRCh38, chr8:143,921,802, plus strand): 5'-CTGCAGGTAGTGGCGCACGTCTTCCCGCCGTGCGAGCTCGTCCACCGTGGTGTGGCCCTG[C>T]GCCAACCGCTGCAGCTCCTCCGCACTCAGGATGCCGGCCTCCTGCAGCCTCTGAGCTGAC-3'
Protein context (NP_958786.1, residues 2663-2683): ILSAEELQRL[Ala2673=]QGHTTVDELA

ClinVar aggregate classification (germline): Benign/Likely benign. Review status: criteria provided, multiple submitters, no conflicts (2 of 4 stars). 3 submissions from 3 submitters: Benign (1); Likely benign (2). Last evaluated 2025-12-02.

Conditions:
Epidermolysis bullosa simplex, Ogna type (EBS5A). Also called: Pidermolysis bullosa simplex 5A, Ogna type; EPIDERMOLYSIS BULLOSA SIMPLEX 5A, OGNA TYPE. Identifiers: Orphanet 79401, MedGen C0432317, MONDO:0007555, OMIM 131950.
Epidermolysis bullosa simplex 5C, with pyloric atresia (EBS5C). Also called: PLEC-Related Epidermolysis Bullosa with Pyloric Atresia; Epidermolysis bullosa simplex with pyloric atresia; PLEC1-Related Epidermolysis Bullosa with Pyloric Atresia. Identifiers: Orphanet 158684, MedGen C2677349, MONDO:0012807, OMIM 612138.
Epidermolysis bullosa simplex with nail dystrophy (EBS5D). Identifiers: MedGen C4225309, MONDO:0014661, OMIM 616487.
Epidermolysis bullosa simplex 5B, with muscular dystrophy (EBS5B). Also called: Epidermolysis bullosa simplex with muscular dystrophy; EPIDERMOLYSIS BULLOSA SIMPLEX AND LIMB-GIRDLE MUSCULAR DYSTROPHY. Identifiers: Orphanet 257, MedGen C2931072, MONDO:0009181, OMIM 226670.
Autosomal recessive limb-girdle muscular dystrophy type 2Q (LGMDR17). Also called: MUSCULAR DYSTROPHY, LIMB-GIRDLE, AUTOSOMAL RECESSIVE 17. Identifiers: Orphanet 254361, MedGen C3150989, MONDO:0013390, OMIM 613723.

Allele frequency attached by ClinVar (database versions not stated): 1000 Genomes Project 30x 0.00094; ESP Exome Variant Server 0.00016; 1000 Genomes Project 0.00080.
gnomAD v4.1: 115 of 1,609,636 alleles (0.0071%); highest among the groups gnomAD compares: East Asian, 0.14%; no homozygotes.

Submissions (3):

Labcorp Genetics (formerly Invitae), Labcorp
Classification: Benign for Autosomal recessive limb-girdle muscular dystrophy type 2Q; Epidermolysis bullosa simplex, Ogna type; Epidermolysis bullosa simplex with nail dystrophy; Epidermolysis bullosa simplex 5C, with pyloric atresia; Epidermolysis bullosa simplex 5B, with muscular dystrophy. Last evaluated: 2025-12-02. Review status: criteria provided, single submitter. Criteria: Invitae Variant Classification Sherloc (09022015). Collection method: clinical testing. Allele origin: germline.

CeGaT Center for Human Genetics Tuebingen
Classification: Likely benign. Last evaluated: 2024-03-01. Review status: criteria provided, single submitter. Criteria: CeGaT Center For Human Genetics Tuebingen Variant Classification Criteria Version 2. Collection method: clinical testing. Allele origin: germline. Affected: yes. Observed: 1 variant allele.
Comment: PLEC: BP4, BP7

Blueprint Genetics
Classification: Likely benign. Last evaluated: 2021-09-23. Review status: criteria provided, single submitter. Criteria: ACMG Guidelines, 2015. Collection method: clinical testing. Allele origin: germline.